The following is an entry in ClinVar:

ClinVar aggregate classification (germline): Uncertain significance (1 of 4 stars; one submission).

Conditions:
Combined oxidative phosphorylation defect type 17. Also called: Combined oxidative phosphorylation deficiency 17. Identifiers: Orphanet 369913, MedGen C3809526, MONDO:0014190, OMIM 615440.

Submission:

Labcorp Genetics (formerly Invitae), Labcorp
Classification: Uncertain significance for Combined oxidative phosphorylation defect type 17. Last evaluated: 2016-10-16. Review status: criteria provided, single submitter. Criteria: Invitae Variant Classification Sherloc (09022015). Collection method: clinical testing. Allele origin: germline.
Comment: In summary, this variant is a novel missense change with uncertain impact on protein function. It has been classified as a Variant of Uncertain Significance. Algorithms developed to predict the effect of missense changes on protein structure and function do not agree on the potential impact of this missense change (SIFT: "Deleterious"; PolyPhen-2: "Possibly Damaging"; Align-GVGD: "Class C0"). This variant is not present in population databases (ExAC no frequency) and has not been reported in the literature in individuals with a ELAC2-related disease. This sequence change replaces phenylalanine with leucine at codon 109 of the ELAC2 protein (p.Phe109Leu). The phenylalanine residue is highly conserved and there is a small physicochemical difference between phenylalanine and leucine.

NM_018127.7(ELAC2):c.325T>C (p.Phe109Leu)

Gene: ELAC2 (elaC ribonuclease Z 2; minus strand). Cytogenetic location: 17p12.
Variant type: single nucleotide variant.
Coding change: c.325T>C on transcript NM_018127.7 (MANE Select); coding-DNA position 325, T replaced by C.
Protein change: p.Phe109Leu; replaces phenylalanine 109 with leucine.
Molecular consequence: missense variant.
Genome position (GRCh38, 1-based): chr17:13,016,904, A>G on the plus strand (T>C on the coding strand, the complement: ELAC2 is on the minus strand). VCF-style: chr17-13016904-A-G. GRCh37 (hg19) VCF-style: chr17-12920221-A-G.
Other names: c.325T>C, p.Phe109Leu (NM_001165962.2, NM_173717.2); short protein forms F109L.
Identifiers: ClinVar variation 408866 (VCV000408866.5), dbSNP rs1060502163, ClinGen allele CA16615098.
Genomic context (GRCh38, chr17:13,016,904, plus strand): 5'-TGCAAAGAATATACTCACCACTTAAGCCCCCAACATTAGACCAGTGCATTCGTGTCAGGA[A>G]TATGTTGTCCAGGCGAGCAACCTTTAACCTAAGAATGAAAAAACATTTAAACAGGATAAC-3'
Protein context (NP_060597.4, residues 99-119): KLKVARLDNI[Phe109Leu]LTRMHWSNVG